The following is an entry in ClinVar:

ClinVar aggregate classification (germline): Uncertain significance. Review status: criteria provided, single submitter (1 of 4 stars). 2 submissions from 2 submitters: Uncertain significance (1). 1 of the submissions does not count toward it. Last evaluated 2023-08-29.

Conditions:
Familial cancer of breast. Also called: BREAST CANCER, FAMILIAL; Hereditary breast cancer; hereditary breast carcinoma. Identifiers: Orphanet 227535, MedGen C0346153, MONDO:0016419, OMIM 114480. Disease mechanism: loss of function.

Submissions (2):

Ophthalmic Genetics Group, Institute of Molecular and Clinical Ophthalmology Basel
Classification: Uncertain significance for Familial cancer of breast. Last evaluated: 2023-08-29. Review status: criteria provided, single submitter. Criteria: ACMG Guidelines, 2015. Collection method: curation. Allele origin: unknown.
Comment: Clinical significance based on ACMG v2.0

This variant was classified as Uncertain significance based on ACMG criteria: PM2.

Department of Zoology Govt. MVM College
Classification: Likely pathogenic for Familial cancer of breast. Review status: no assertion criteria provided. Collection method: not provided. Allele origin: unknown. Not counted in ClinVar's aggregate classification.
Comment: KM273784
ClinVar note: Converted during submission from probable-pathogenic to Likely pathogenic.

NC_012920.1(MT-CYB):m.15349C>A

Gene: MT-CYB (mitochondrially encoded cytochrome b; plus strand).
Variant type: single nucleotide variant.
Genome position: chrM-15349-C-A.
Identifiers: ClinVar variation 143884 (VCV000143884.4), dbSNP rs527236201, ClinGen allele CA270612.
Genomic context (GRCh38, chrMT:15,349, plus strand): 5'-TCACTTCATCTTGCCCTTCATTATTGCAGCCCTAGCAACACTCCACCTCCTATTCTTGCA[C>A]GAAACGGGATCAAACAACCCCCTAGGAATCACCTCCCATTCCGATAAAATCACCTTCCAC-3'